The following is an entry in ClinVar:

ClinVar aggregate classification (germline): Conflicting classifications of pathogenicity. Review status: criteria provided, conflicting classifications (1 of 4 stars). 4 submissions from 4 submitters: Uncertain significance (1); Likely benign (2). 1 of the submissions does not count toward it. Last evaluated 2025-09-20.

Conditions:
ABCA4-related disorder. Also called: ABCA4-related disorders; ABCA4-related condition. Identifiers: MedGen CN239167.

Allele frequency attached by ClinVar (database versions not stated): gnomAD exomes 0.00005 and 0.00012; ExAC 0.00012; ESP Exome Variant Server 0.00023; 1000 Genomes Project 30x 0.00031; 1000 Genomes Project 0.00040; gnomAD 0.00052 and 0.00053; TOPMed 0.00058.
gnomAD v4.1: 167 of 1,614,172 alleles (0.01%); highest among the groups gnomAD compares: African/African-American, 0.17%; no homozygotes.

Submissions (4):

Labcorp Genetics (formerly Invitae), Labcorp
Classification: Likely benign. Last evaluated: 2025-09-20. Review status: criteria provided, single submitter. Criteria: Invitae Variant Classification Sherloc (09022015). Collection method: clinical testing. Allele origin: germline.

Blueprint Genetics
Classification: Likely benign. Last evaluated: 2024-06-04. Review status: criteria provided, single submitter. Criteria: ACMG Guidelines, 2015. Collection method: clinical testing. Allele origin: germline.

Eurofins Ntd Llc (ga)
Classification: Uncertain significance. Last evaluated: 2017-09-14. Review status: criteria provided, single submitter. Criteria: EGL Classification Definitions 2015. Collection method: clinical testing. Allele origin: germline. Observed: 1 variant allele, 1 heterozygote.

PreventionGenetics, part of Exact Sciences
Classification: Likely benign for ABCA4-related condition. Last evaluated: 2024-07-25. Review status: no assertion criteria provided. Collection method: clinical testing. Allele origin: germline. Not counted in ClinVar's aggregate classification.
Comment: This variant is classified as likely benign based on ACMG/AMP sequence variant interpretation guidelines (Richards et al. 2015 PMID: 25741868, with internal and published modifications).

NM_000350.3(ABCA4):c.3468C>T (p.Tyr1156=)

Gene: ABCA4 (ATP binding cassette subfamily A member 4; minus strand). Cytogenetic location: 1p22.1.
Variant type: single nucleotide variant.
Coding change: c.3468C>T on transcript NM_000350.3 (MANE Select); coding-DNA position 3468, C replaced by T.
Protein change: p.Tyr1156=; no amino-acid change (tyrosine 1156 retained).
Molecular consequence: synonymous variant.
Genome position (GRCh38, 1-based): chr1:94,041,263, G>A on the plus strand (C>T on the coding strand, the complement: ABCA4 is on the minus strand). VCF-style: chr1-94041263-G-A. GRCh37 (hg19) VCF-style: chr1-94506819-G-A.
Other names: c.3246C>T, p.Tyr1082= (NM_001425324.1).
Identifiers: ClinVar variation 593846 (VCV000593846.18), dbSNP rs113698006, ClinGen allele CA957933.
Genomic context (GRCh38, chr1:94,041,263, plus strand): 5'-ACCTACCTCACTGCCTTTCCTTTGGCTCTGGATGTTTTTCATCTTGCGCACCAAGGTTAA[G>A]TACAAGCCTGTGCCAAAGCAGTTCTTCAGGAAGAGTGGGGTGCCTGAGCAGTAGAGCCTT-3'
Protein context (NP_000341.2, residues 1146-1166): FLKNCFGTGL[Tyr1156=]LTLVRKMKNI